The following is an entry in ClinVar:

NM_016203.4(PRKAG2):c.987A>G (p.Arg329=)

Gene: PRKAG2 (protein kinase AMP-activated non-catalytic subunit gamma 2; minus strand). Cytogenetic location: 7q36.1.
Variant type: single nucleotide variant.
Coding change: c.987A>G on transcript NM_016203.4 (MANE Select); coding-DNA position 987, A replaced by G.
Protein change: p.Arg329=; no amino-acid change (arginine 329 retained).
Molecular consequence: synonymous variant.
Genome position (GRCh38, 1-based): chr7:151,574,909, T>C on the plus strand (A>G on the coding strand, the complement: PRKAG2 is on the minus strand). VCF-style: chr7-151574909-T-C. GRCh37 (hg19) VCF-style: chr7-151271995-T-C.
Other names: c.855A>G, p.Arg285= (NM_001040633.2); c.612A>G, p.Arg204= (NM_001304527.2); c.264A>G, p.Arg88= (NM_001304531.2, NM_024429.2); c.615A>G, p.Arg205= (NM_001363698.2); c.987A>G (NM_016203.3).
Identifiers: ClinVar variation 923385 (VCV000923385.4), dbSNP rs1808524694, ClinGen allele CA458670289.
Genomic context (GRCh38, chr7:151,574,909, plus strand): 5'-CGTACAGCTCCAACTACTGACATAGGAACTGGTGCCACTTACCATAGGTGATTTATAGTA[T>C]CTATGTAGTATATTTATGAAATCTGTAATTGTTAGCATTCCTGGAACAAAGAATTACATG-3'
Protein context (NP_057287.2, residues 319-339): TITDFINILH[Arg329=]YYKSPMVQIY

ClinVar aggregate classification (germline): Conflicting classifications of pathogenicity. Review status: criteria provided, conflicting classifications (1 of 4 stars). 2 submissions from 2 submitters: Uncertain significance (1); Likely benign (1). Last evaluated 2024-02-05.

Conditions:
Cardiomyopathy (CMYO). Also called: Cardiomyopathies. Identifiers: Orphanet 167848, MedGen C0878544, MONDO:0004994, HP:0001638. Inheritance: Various modes of inheritance.

Allele frequency attached by ClinVar (database versions not stated): gnomAD exomes below 0.00001.
gnomAD v4.1: 1 of 1,613,678 alleles (0.000062%); highest among the groups gnomAD compares: South Asian, 0.0011%; no homozygotes.

Submissions (2):

GeneDx
Classification: Uncertain significance. Last evaluated: 2024-02-05. Review status: criteria provided, single submitter. Criteria: GeneDx Variant Classification Process June 2021. Collection method: clinical testing. Allele origin: germline. Affected: yes.
Comment: Has not been previously published as pathogenic or benign to our knowledge; Not observed at significant frequency in large population cohorts (gnomAD); In silico analysis supports that this variant does not alter splicing

Color Diagnostics, LLC DBA Color Health
Classification: Likely benign for Cardiomyopathy. Last evaluated: 2019-01-07. Review status: criteria provided, single submitter. Criteria: ACMG Guidelines, 2015. Collection method: clinical testing. Allele origin: germline.